The following is an entry in ClinVar:

NM_002637.4(PHKA1):c.3529G>A (p.Ala1177Thr)

Gene: PHKA1 (phosphorylase kinase regulatory subunit alpha 1; minus strand). Cytogenetic location: Xq13.1.
Variant type: single nucleotide variant.
Coding change: c.3529G>A on transcript NM_002637.4 (MANE Select); coding-DNA position 3529, G replaced by A.
Protein change: p.Ala1177Thr; replaces alanine 1177 with threonine.
Molecular consequence: missense variant.
Genome position (GRCh38, 1-based): chrX:72,581,145, C>T on the plus strand (G>A on the coding strand, the complement: PHKA1 is on the minus strand). VCF-style: chrX-72581145-C-T. GRCh37 (hg19) VCF-style: chrX-71800995-C-T.
Other names: c.3490G>A, p.Ala1164Thr (NM_001122670.2); c.3313G>A, p.Ala1105Thr (NM_001172436.2); short protein forms A1177T, A1164T, A1105T.
Identifiers: ClinVar variation 914032 (VCV000914032.7), dbSNP rs2052331052, ClinGen allele CA413580599.

ClinVar aggregate classification (germline): Uncertain significance. Review status: criteria provided, multiple submitters, no conflicts (2 of 4 stars). 3 submissions from 3 submitters: Uncertain significance (3). Last evaluated 2025-10-02.

Conditions:
Inborn genetic diseases. Identifiers: MedGen C0950123, MeSH D030342.
Glycogen storage disease IXd (GSD9D). Also called: GSD IXd; Muscle Phosphorylase Kinase Deficiency. Identifiers: Orphanet 715, MedGen C1845151, MONDO:0010362, OMIM 300559.

Allele frequency attached by ClinVar (database versions not stated): gnomAD exomes below 0.00001.
gnomAD v4.1: 1 of 1,198,545 alleles (0.000083%); highest among the groups gnomAD compares: Non-Finnish European, 0.00011%; no homozygotes.

Submissions (3):

Ambry Genetics
Classification: Uncertain significance for Inborn genetic diseases. Last evaluated: 2025-10-02. Review status: criteria provided, single submitter. Criteria: Ambry Variant Classification Scheme 2023. Collection method: clinical testing. Allele origin: germline.

Labcorp Genetics (formerly Invitae), Labcorp
Classification: Uncertain significance for Glycogen storage disease IXd. Last evaluated: 2024-10-10. Review status: criteria provided, single submitter. Criteria: Invitae Variant Classification Sherloc (09022015). Collection method: clinical testing. Allele origin: germline.
Comment: This sequence change replaces alanine, which is neutral and non-polar, with threonine, which is neutral and polar, at codon 1177 of the PHKA1 protein (p.Ala1177Thr). This variant is not present in population databases (gnomAD no frequency). This variant has not been reported in the literature in individuals affected with PHKA1-related conditions. ClinVar contains an entry for this variant (Variation ID: 914032). An algorithm developed to predict the effect of missense changes on protein structure and function outputs the following: PolyPhen-2: "Benign". The threonine amino acid residue is found in multiple mammalian species, which suggests that this missense change does not adversely affect protein function. In summary, the available evidence is currently insufficient to determine the role of this variant in disease. Therefore, it has been classified as a Variant of Uncertain Significance.

Illumina Laboratory Services, Illumina
Classification: Uncertain significance for Glycogen storage disease IXd. Last evaluated: 2018-01-13. Review status: criteria provided, single submitter. Criteria: ICSL Variant Classification Criteria 13 December 2019. Collection method: clinical testing. Allele origin: germline.